The following is an entry in ClinVar:

NM_198576.4(AGRN):c.1177+4_1177+50del

Gene: AGRN (agrin; plus strand). Cytogenetic location: 1p36.33.
Variant type: Deletion.
Coding change: c.1177+4_1177+50del on transcript NM_198576.4 (MANE Select); bases 4 to 50 of the intron after coding-DNA position 1177, 47 bases deleted.
Molecular consequence: splice donor variant.
Genome position (GRCh38, 1-based): chr1:1,041,706-1,041,752, 47 bases deleted; deleting any 47 consecutive bases within chr1:1,041,679-1,041,752 gives the same sequence; the c. name uses the placement nearest the transcript's 3' end. GRCh37 (hg19): chr1:977,086-977,132.
Other names: c.1177+4_1177+50del (NM_001305275.2); c.862+4_862+50del (NM_001364727.2).
Identifiers: ClinVar variation 930633 (VCV000930633.7), dbSNP rs765679438, ClinGen allele CA508020.
Genomic context (GRCh38, chr1:1,041,678, plus strand): 5'-GAAAACGACTGTGTCATGGGCCGATCGGGGGCCGCCCGGGGTCTCCTCCTGCAGAAAGTG[CGCTCCGGCCAGTGCCAGGGTCGAGGTGAGCGGCTCCCCCGGGGGAGG>C]GCTCCGGCCAGTGCCAGGGTCGAGGTGGGCGGCTCCCCCGGGGGAGGGCTCCGGCCAGTG-3'

ClinVar aggregate classification (germline): Pathogenic/Likely pathogenic. Review status: criteria provided, multiple submitters, no conflicts (2 of 4 stars). 4 submissions from 4 submitters: Pathogenic (1); Likely pathogenic (3). Last evaluated 2025-03-05.

Conditions:
Congenital myasthenic syndrome 8. Also called: MYASTHENIC SYNDROME, CONGENITAL, DUE TO AGRIN DEFICIENCY; Myasthenic syndrome, congenital, 8, with pre- and postsynaptic defects. Identifiers: Orphanet 590, MedGen C3808739, MONDO:0014052, OMIM 615120.
Presynaptic congenital myasthenic syndrome. Also called: Presynaptic congenital myasthenic syndromes. Identifiers: Orphanet 98914, MedGen C0751884, MONDO:0700466, MONDO:0020345.

Submissions (4):

3billion
Classification: Pathogenic for Congenital myasthenic syndrome 8. Last evaluated: 2025-03-05. Review status: criteria provided, single submitter. Criteria: ACMG Guidelines, 2015. Collection method: clinical testing. Allele origin: germline. Affected: yes.
Comment: The variant is observed at an extremely low frequency in the gnomAD v4.1.0 dataset (total allele frequency: 0.006%). Predicted Consequence/Location: Canonical splice site: predicted to alter splicing and result in a loss or disruption of normal protein function. Multiple pathogenic loss-of-function variants are reported downstream of the variant. The variant has been reported to be associated with AGRN-related disorder (ClinVar ID: VCV000930633). Therefore, this variant is classified as Pathogenic according to the recommendation of ACMG/AMP guideline.

Department of Pathology and Laboratory Medicine, Sinai Health System
Classification: Likely pathogenic for Presynaptic congenital myasthenic syndrome. Last evaluated: 2022-11-10. Review status: criteria provided, single submitter. Criteria: ACMG Guidelines, 2015. Collection method: research. Allele origin: germline.

Centre for Mendelian Genomics, University Medical Centre Ljubljana
Classification: Likely pathogenic for Congenital myasthenic syndrome 8. Last evaluated: 2018-10-24. Review status: criteria provided, single submitter. Criteria: ACMG Guidelines, 2015. Collection method: clinical testing. Allele origin: unknown. Affected: yes.
Comment: This variant was classified as: Likely pathogenic. The following ACMG criteria were applied in classifying this variant: PVS1,PM2.

Juno Genomics, Hangzhou Juno Genomics, Inc
Classification: Likely pathogenic for Congenital myasthenic syndrome 8. Review status: criteria provided, single submitter. Criteria: ACMG Guidelines, 2015. Collection method: clinical testing. Allele origin: germline.
Comment: Absent from controls (or at extremely low frequency if recessive) in Genome Aggregation Database.;Null variant in a gene where loss of function (LOF) is a known mechanism of disease.